The following is an entry in ClinVar:

NM_000278.5(PAX2):c.997T>C (p.Ser333Pro)

Gene: PAX2 (paired box 2; plus strand). Cytogenetic location: 10q24.31.
Variant type: single nucleotide variant.
Coding change: c.997T>C on transcript NM_000278.5 (MANE Select); coding-DNA position 997, T replaced by C.
Protein change: p.Ser333Pro; replaces serine 333 with proline.
Molecular consequence: missense variant.
Genome position (GRCh38, 1-based): chr10:100,824,725, T>C. VCF-style: chr10-100824725-T-C. GRCh37 (hg19) VCF-style: chr10-102584482-T-C.
Other names: c.1090T>C, p.Ser364Pro (NM_001304569.2); c.1066T>C, p.Ser356Pro (NM_003987.5, NM_003990.5); c.997T>C, p.Ser333Pro (NM_003988.5, NM_003989.5); short protein forms S333P, S356P, S364P.
Identifiers: ClinVar variation 3750928 (VCV003750928.2).

ClinVar aggregate classification (germline): Uncertain significance (1 of 4 stars; one submission).

Conditions:
Renal coloboma syndrome (PAPRS). Also called: PAPILLORENAL SYNDROME; COLOBOMA OF OPTIC NERVE WITH RENAL DISEASE; OPTIC COLOBOMA, VESICOURETERAL REFLUX, AND RENAL ANOMALIES; OPTIC NERVE COLOBOMA WITH RENAL DISEASE; RENAL-COLOBOMA SYNDROME WITH MACULAR ABNORMALITIES; PAPILLORENAL SYNDROME WITH MILD OCULAR ABNORMALITIES. Identifiers: Orphanet 1475, MedGen C1852759, MONDO:0007352, OMIM 120330.
Focal segmental glomerulosclerosis 7 (FSGS7). Identifiers: Orphanet 656, MedGen C4014925, MONDO:0014451, OMIM 616002.

gnomAD v4.1: 1 of 1,604,946 alleles (0.000062%); no homozygotes.

Submission:

Labcorp Genetics (formerly Invitae), Labcorp
Classification: Uncertain significance for Renal coloboma syndrome; Focal segmental glomerulosclerosis 7. Last evaluated: 2024-04-12. Review status: criteria provided, single submitter. Criteria: Invitae Variant Classification Sherloc (09022015). Collection method: clinical testing. Allele origin: germline.
Comment: This sequence change replaces serine, which is neutral and polar, with proline, which is neutral and non-polar, at codon 333 of the PAX2 protein (p.Ser333Pro). This variant is not present in population databases (gnomAD no frequency). This variant has not been reported in the literature in individuals affected with PAX2-related conditions. Experimental studies and prediction algorithms are not available or were not evaluated, and the functional significance of this variant is currently unknown. In summary, the available evidence is currently insufficient to determine the role of this variant in disease. Therefore, it has been classified as a Variant of Uncertain Significance.